The following is an entry in ClinVar:

ClinVar aggregate classification (germline): Likely benign (1 of 4 stars; one submission).

Submission:

CeGaT Center for Human Genetics Tuebingen
Classification: Likely benign. Last evaluated: 2025-12-01. Review status: criteria provided, single submitter. Criteria: CeGaT Center For Human Genetics Tuebingen Variant Classification Criteria Version 2. Collection method: clinical testing. Allele origin: germline. Affected: yes. Observed: 1 variant allele.
Comment: STAG2: BP4, BS2

NM_001042750.2(STAG2):c.1535-8_1535-3del

Gene: STAG2 (STAG2 cohesin complex component; plus strand). Cytogenetic location: Xq25.
Variant type: Deletion.
Coding change: c.1535-8_1535-3del on transcript NM_001042750.2 (MANE Select); 8 bases into the intron before coding-DNA position 1535 through 3 bases into the intron before coding-DNA position 1535, 6 bases deleted (TTTTTT; older notation c.1535-8_1535-3delTTTTTT).
Molecular consequence: intron variant.
Genome position (GRCh38, 1-based): chrX:124,061,763-124,061,768, TTTTTT deleted; deleting any 6 consecutive bases within chrX:124,061,744-124,061,768 gives the same sequence; the c. name uses the placement nearest the transcript's 3' end. VCF-style (leftmost placement, unchanged base first): chrX-124061743-CTTTTTT-C. GRCh37 (hg19) VCF-style: chrX-123195593-CTTTTTT-C.
Other names: c.1535-8_1535-3del (NM_001042749.2, NM_001441077.1, NM_001375366.1 and 23 more transcripts).
Identifiers: ClinVar variation 4681271 (VCV004681271.5).